The following is an entry in ClinVar:

NM_019892.6(INPP5E):c.650C>G (p.Ala217Gly)

Gene: INPP5E (inositol polyphosphate-5-phosphatase E; minus strand). Cytogenetic location: 9q34.3.
Variant type: single nucleotide variant.
Coding change: c.650C>G on transcript NM_019892.6 (MANE Select); coding-DNA position 650, C replaced by G.
Protein change: p.Ala217Gly; replaces alanine 217 with glycine.
Molecular consequence: missense variant.
Genome position (GRCh38, 1-based): chr9:136,438,770, G>C on the plus strand (C>G on the coding strand, the complement: INPP5E is on the minus strand). VCF-style: chr9-136438770-G-C. GRCh37 (hg19) VCF-style: chr9-139333222-G-C.
Other names: c.650C>G, p.Ala217Gly (NM_001318502.2); short protein forms A217G.
Identifiers: ClinVar variation 2124711 (VCV002124711.4), dbSNP rs1835902879, ClinGen allele CA375568063.

ClinVar aggregate classification (germline): Uncertain significance (1 of 4 stars; one submission).

Conditions:
Joubert syndrome. Also called: CEREBELLOPARENCHYMAL DISORDER IV; JOUBERT-BOLTSHAUSER SYNDROME; Familial aplasia of the vermis. Identifiers: Orphanet 475, MedGen C5979921, MONDO:0018772.

Submission:

Labcorp Genetics (formerly Invitae), Labcorp
Classification: Uncertain significance for Joubert syndrome. Last evaluated: 2022-04-11. Review status: criteria provided, single submitter. Criteria: Invitae Variant Classification Sherloc (09022015). Collection method: clinical testing. Allele origin: germline.
Comment: This variant has not been reported in the literature in individuals affected with INPP5E-related conditions. This sequence change replaces alanine, which is neutral and non-polar, with glycine, which is neutral and non-polar, at codon 217 of the INPP5E protein (p.Ala217Gly). This variant is not present in population databases (gnomAD no frequency). Advanced modeling of protein sequence and biophysical properties (such as structural, functional, and spatial information, amino acid conservation, physicochemical variation, residue mobility, and thermodynamic stability) performed at Invitae indicates that this missense variant is not expected to disrupt INPP5E protein function. In summary, the available evidence is currently insufficient to determine the role of this variant in disease. Therefore, it has been classified as a Variant of Uncertain Significance.